The following is an entry in ClinVar:

NM_058216.3(RAD51C):c.339T>C (p.Gly113=)

Gene: RAD51C (RAD51 paralog C; plus strand). Cytogenetic location: 17q22.
Variant type: single nucleotide variant.
Coding change: c.339T>C on transcript NM_058216.3 (MANE Select); coding-DNA position 339, T replaced by C.
Protein change: p.Gly113=; no amino-acid change (glycine 113 retained).
Molecular consequence: synonymous variant. On other transcripts: non-coding transcript variant (2).
Genome position (GRCh38, 1-based): chr17:58,695,124, T>C. VCF-style: chr17-58695124-T-C. GRCh37 (hg19) VCF-style: chr17-56772485-T-C.
Other names: c.339T>C, p.Gly113= (NM_002876.4).
Identifiers: ClinVar variation 1133577 (VCV001133577.10), dbSNP rs2143725217, ClinGen allele CA501074726.

ClinVar aggregate classification (germline): Benign/Likely benign. Review status: criteria provided, multiple submitters, no conflicts (2 of 4 stars). 2 submissions from 2 submitters: Benign (1); Likely benign (1). Last evaluated 2025-02-14.

Conditions:
Fanconi anemia complementation group O. Also called: RAD51C-Related Fanconi Anemia. Identifiers: Orphanet 84, MedGen C3150653, MONDO:0013248, OMIM 613390.
Breast-ovarian cancer, familial, susceptibility to, 3. Also called: RAD51C-Related Breast/Ovarian Cancer. Identifiers: Orphanet 145, MedGen C3150659, MONDO:0013253, OMIM 613399.

Submissions (2):

Myriad Genetics, Inc.
Classification: Benign for Breast-ovarian cancer, familial, susceptibility to, 3. Last evaluated: 2025-02-14. Review status: criteria provided, single submitter. Criteria: Myriad Autosomal Dominant, Autosomal Recessive and X-Linked Classification Criteria (2023). Collection method: clinical testing. Allele origin: unknown.
Comment: This variant is considered benign. This variant is a silent/synonymous amino acid change and it is not expected to impact splicing.

Labcorp Genetics (formerly Invitae), Labcorp
Classification: Likely benign for Fanconi anemia complementation group O. Last evaluated: 2020-06-03. Review status: criteria provided, single submitter. Criteria: Invitae Variant Classification Sherloc (09022015). Collection method: clinical testing. Allele origin: germline.